The following is an entry in ClinVar:

ClinVar aggregate classification (germline): Likely benign (1 of 4 stars; one submission).

Conditions:
TRPC5-related disorder. Also called: TRPC5-related condition.

Submission:

PreventionGenetics, part of Exact Sciences
Classification: Likely benign for TRPC5-related condition. Last evaluated: 2026-04-30. Review status: criteria provided, single submitter. Criteria: ACMG Guidelines, 2015. Collection method: clinical testing. Allele origin: germline.
Comment: This variant is classified as likely benign based on ACMG/AMP sequence variant interpretation guidelines (Richards et al. 2015 PMID: 25741868, with internal and published modifications).

NM_012471.3(TRPC5):c.1470G>C (p.Ser490=)

Gene: TRPC5 (transient receptor potential cation channel subfamily C member 5; minus strand). Cytogenetic location: Xq23.
Variant type: single nucleotide variant.
Coding change: c.1470G>C on transcript NM_012471.3 (MANE Select); coding-DNA position 1470, G replaced by C.
Protein change: p.Ser490=; no amino-acid change (serine 490 retained).
Molecular consequence: synonymous variant.
Genome position (GRCh38, 1-based): chrX:111,847,344, C>G on the plus strand (G>C on the coding strand, the complement: TRPC5 is on the minus strand). VCF-style: chrX-111847344-C-G. GRCh37 (hg19) VCF-style: chrX-111090572-C-G.
Identifiers: ClinVar variation 4988857 (VCV004988857.1).